The following is an entry in ClinVar:

NM_002354.3(EPCAM):c.797C>T (p.Ala266Val)

Gene: EPCAM (epithelial cell adhesion molecule; plus strand). Cytogenetic location: 2p21.
Variant type: single nucleotide variant.
Coding change: c.797C>T on transcript NM_002354.3 (MANE Select); coding-DNA position 797, C replaced by T.
Protein change: p.Ala266Val; replaces alanine 266 with valine.
Molecular consequence: missense variant.
Genome position (GRCh38, 1-based): chr2:47,379,908, C>T. VCF-style: chr2-47379908-C-T. GRCh37 (hg19) VCF-style: chr2-47607047-C-T.
Other names: short protein forms A266V.
Identifiers: ClinVar variation 1761456 (VCV001761456.2), dbSNP rs1304092295, ClinGen allele CA346724835.

ClinVar aggregate classification (germline): Uncertain significance (1 of 4 stars; one submission).

Conditions:
Hereditary cancer-predisposing syndrome. Also called: Neoplastic Syndromes, Hereditary; Tumor predisposition; Hereditary Cancer Syndrome; Hereditary neoplastic syndrome. Identifiers: Orphanet 140162, MedGen C0027672, MeSH D009386, MONDO:0015356.

Submission:

Ambry Genetics
Classification: Uncertain significance for Hereditary cancer-predisposing syndrome. Last evaluated: 2022-09-04. Review status: criteria provided, single submitter. Criteria: Ambry Variant Classification Scheme 2023. Collection method: clinical testing. Allele origin: germline.
Comment: The p.A266V variant (also known as c.797C>T), located in coding exon 7 of the EPCAM gene, results from a C to T substitution at nucleotide position 797. The alanine at codon 266 is replaced by valine, an amino acid with similar properties. This amino acid position is conserved. In addition, the in silico prediction for this alteration is inconclusive. Since supporting evidence is limited at this time, the clinical significance of this alteration remains unclear.